The following is an entry in ClinVar:

ClinVar aggregate classification (germline): Benign/Likely benign. Review status: criteria provided, multiple submitters, no conflicts (2 of 4 stars). 5 submissions from 5 submitters: Benign (1); Likely benign (3). 1 of the submissions does not count toward it. Last evaluated 2025-07-01.

Conditions:
CTNND2-related disorder. Also called: CTNND2-related condition.

Allele frequency attached by ClinVar (database versions not stated): gnomAD exomes 0.00116 and 0.00265; ExAC 0.00259; 1000 Genomes Project 30x 0.00500; 1000 Genomes Project 0.00519; gnomAD 0.00528 and 0.00569; ESP Exome Variant Server 0.00569; TOPMed 0.00586.
gnomAD v4.1: 2,624 of 1,614,128 alleles (0.16%); highest among the groups gnomAD compares: African/African-American, 1.4%; 22 homozygotes.

Submissions (5):

CeGaT Center for Human Genetics Tuebingen
Classification: Likely benign. Last evaluated: 2025-07-01. Review status: criteria provided, single submitter. Criteria: CeGaT Center For Human Genetics Tuebingen Variant Classification Criteria Version 2. Collection method: clinical testing. Allele origin: germline. Affected: yes. Observed: 2 variant alleles.
Comment: CTNND2: BP4, BP7, BS1

GeneDx
Classification: Likely benign. Last evaluated: 2021-02-12. Review status: criteria provided, single submitter. Criteria: GeneDx Variant Classification Process June 2021. Collection method: clinical testing. Allele origin: germline. Affected: yes.

Labcorp Genetics (formerly Invitae), Labcorp
Classification: Benign. Last evaluated: 2019-12-31. Review status: criteria provided, single submitter. Criteria: Invitae Variant Classification Sherloc (09022015). Collection method: clinical testing. Allele origin: germline.

Breakthrough Genomics
Classification: Likely benign. Review status: criteria provided, single submitter. Criteria: ACMG Guidelines, 2015. Collection method: not provided. Allele origin: germline. Inheritance: Unknown mechanism. Affected: yes.

PreventionGenetics, part of Exact Sciences
Classification: Benign for CTNND2-related condition. Last evaluated: 2019-07-02. Review status: no assertion criteria provided. Collection method: clinical testing. Allele origin: germline. Not counted in ClinVar's aggregate classification.
Comment: This variant is classified as benign based on ACMG/AMP sequence variant interpretation guidelines (Richards et al. 2015 PMID: 25741868, with internal and published modifications).

NM_001332.4(CTNND2):c.2733G>A (p.Ala911=)

Gene: CTNND2 (catenin delta 2; minus strand). Cytogenetic location: 5p15.2.
Variant type: single nucleotide variant.
Coding change: c.2733G>A on transcript NM_001332.4 (MANE Select); coding-DNA position 2733, G replaced by A.
Protein change: p.Ala911=; no amino-acid change (alanine 911 retained).
Molecular consequence: synonymous variant. On other transcripts: non-coding transcript variant (1).
Genome position (GRCh38, 1-based): chr5:11,082,751, C>T on the plus strand (G>A on the coding strand, the complement: CTNND2 is on the minus strand). VCF-style: chr5-11082751-C-T. GRCh37 (hg19) VCF-style: chr5-11082863-C-T.
Other names: c.2460G>A, p.Ala820= (NM_001288715.1); c.1722G>A, p.Ala574= (NM_001288716.1); c.1434G>A, p.Ala478= (NM_001288717.2); c.1797G>A, p.Ala599= (NM_001364128.2).
Identifiers: ClinVar variation 726742 (VCV000726742.27), dbSNP rs114692065, ClinGen allele CA3200506.
Genomic context (GRCh38, chr5:11,082,751, plus strand): 5'-CATACCGATGAGCTCCTTATTTCTGACGTCCAAGGCCATGTTCCGCAGCGCAGTGGCCAC[C>T]GCGCACACCACACGGTCATTGTCTATTCGGAGCAGCTCCACGAGGATGGGCAGGCCTTTC-3'
Protein context (NP_001323.1, residues 901-921): LRIDNDRVVC[Ala911=]VATALRNMAL